The following is an entry in ClinVar:

ClinVar aggregate classification (germline): Conflicting classifications of pathogenicity. Review status: criteria provided, conflicting classifications (1 of 4 stars). 3 submissions from 3 submitters: Likely pathogenic (2); Uncertain significance (1). Last evaluated 2026-01-15.

Conditions:
Dyskeratosis congenita, autosomal dominant 2. Identifiers: MedGen C3151443, MONDO:0013521, OMIM 613989.
Idiopathic Pulmonary Fibrosis. Also called: Idiopathic fibrosing alveolitis, chronic form; idiopathic fibrosing alveolitis. Identifiers: Orphanet 2032, MedGen C1800706, MeSH D054990, MONDO:0800504.

Submissions (3):

Labcorp Genetics (formerly Invitae), Labcorp
Classification: Likely pathogenic for Dyskeratosis congenita, autosomal dominant 2; Idiopathic Pulmonary Fibrosis. Last evaluated: 2026-01-15. Review status: criteria provided, single submitter. Criteria: Invitae Variant Classification Sherloc (09022015). Collection method: clinical testing. Allele origin: germline.
Comment: This sequence change replaces methionine, which is neutral and non-polar, with threonine, which is neutral and polar, at codon 773 of the TERT protein (p.Met773Thr). This variant is not present in population databases (gnomAD no frequency). This missense change has been observed in individuals with clinical features of TERT-related conditions (PMID: 26024875, 30791107, 39316766; internal data). ClinVar contains an entry for this variant (Variation ID: 1336928). Invitae Evidence Modeling of protein sequence and biophysical properties (such as structural, functional, and spatial information, amino acid conservation, physicochemical variation, residue mobility, and thermodynamic stability) indicates that this missense variant is expected to disrupt TERT protein function with a positive predictive value of 95%. In summary, the currently available evidence indicates that the variant is pathogenic, but additional data are needed to prove that conclusively. Therefore, this variant has been classified as Likely Pathogenic.

Clinical Genomics Laboratory, Washington University in St. Louis
Classification: Likely pathogenic for Dyskeratosis congenita, autosomal dominant 2. Last evaluated: 2025-08-31. Review status: criteria provided, single submitter. Criteria: ACMG Guidelines, 2015. Collection method: clinical testing. Allele origin: germline. Affected: yes.
Comment: The TERT c.2318T>C (p.Met773Thr) variant has been reported in at least two individuals affected with dyskeratosis congenita and in at least one of these individuals their telomerase length was confirmed to be less than the 1st percentile (Collopy LC et al., PMID: 26024875; Gutierrez-Rodrigues F et al., PMID: 39316766; Kapuria D et al., PMID: 30791107). This variant is absent from the general population (gnomAD v.4.1.0), indicating it is not a common variant. This variant has been reported in the ClinVar database as a germline variant of uncertain significance by one submitter. This variant occurs at the end of a helix in the reverse transcriptase domain and computational predictors indicate that the variant is damaging, evidence that correlates with impact to TERT function. Additionally, this gene has a low rate of benign missense variation. Based on available information and the ACMG/AMP guidelines for variant interpretation (Richards S et al., PMID: 25741868), this variant is classified as likely pathogenic.

Genetic Services Laboratory, University of Chicago
Classification: Uncertain significance. Last evaluated: 2018-11-25. Review status: criteria provided, single submitter. Criteria: ACMG Guidelines, 2015. Collection method: clinical testing. Allele origin: germline. Affected: no.

Literature cited by the submitters: PubMed 26024875 (cited by Labcorp Genetics (formerly Invitae), Labcorp); PubMed 30791107 (cited by Labcorp Genetics (formerly Invitae), Labcorp); PubMed 39316766 (cited by Labcorp Genetics (formerly Invitae), Labcorp).

NM_198253.3(TERT):c.2318T>C (p.Met773Thr)

Gene: TERT (telomerase reverse transcriptase; minus strand). Cytogenetic location: 5p15.33.
Variant type: single nucleotide variant.
Coding change: c.2318T>C on transcript NM_198253.3 (MANE Select); coding-DNA position 2318, T replaced by C.
Protein change: p.Met773Thr; replaces methionine 773 with threonine.
Molecular consequence: missense variant.
Genome position (GRCh38, 1-based): chr5:1,272,249, A>G on the plus strand (T>C on the coding strand, the complement: TERT is on the minus strand). VCF-style: chr5-1272249-A-G. GRCh37 (hg19) VCF-style: chr5-1272364-A-G.
Other names: c.2318T>C, p.Met773Thr (NM_001193376.3); short protein forms M773T.
Identifiers: ClinVar variation 1336928 (VCV001336928.6), dbSNP rs2126617890, ClinGen allele CA359076408.
Genomic context (GRCh38, chr5:1,272,249, plus strand): 5'-TCGATGACGACGGCATCCCTCAGCGGGCTGGTCTCCTGCAGGTGAGCCACGAACTGTCGC[A>G]TGTACGGCTGGAGGTCTGTCAAGGTAGAGACCTGCCGGCAGAGGAGAGGGCATGAGCCAC-3'
Protein context (NP_937983.2, residues 763-783): VSTLTDLQPY[Met773Thr]RQFVAHLQET